The following is an entry in ClinVar:

NC_000002.11:g.(?_173292517)_(173292718_?)del

Gene: ITGA6 (integrin subunit alpha 6; plus strand). Cytogenetic location: 2q31.1.
Variant type: Deletion.
Identifiers: ClinVar variation 3247459 (VCV003247459.1).

ClinVar aggregate classification (germline): Pathogenic (1 of 4 stars; one submission).

Submission:

Labcorp Genetics (formerly Invitae), Labcorp
Classification: Pathogenic. Last evaluated: 2023-08-16. Review status: criteria provided, single submitter. Criteria: Invitae Variant Classification Sherloc (09022015). Collection method: clinical testing. Allele origin: unknown.
Comment: This variant is a gross deletion of the genomic region encompassing exon(s) 1 of the ITGA6 gene, which includes the initiator codon. This deletion extends beyond the assayed region for this gene and therefore may encompass additional genes. It is expected to result in an absent or disrupted protein product. Loss-of-function variants in ITGA6 are known to be pathogenic (PMID: 9158140, 9185503, 9804362, 27607025). This variant has not been reported in the literature in individuals affected with ITGA6-related conditions. For these reasons, this variant has been classified as Pathogenic.

Literature cited by the submitters: PubMed 9158140; PubMed 9185503; PubMed 9804362; PubMed 27607025.